The following is an entry in ClinVar:

NM_000744.7(CHRNA4):c.1864T>C (p.Trp622Arg)

Gene: CHRNA4 (cholinergic receptor nicotinic alpha 4 subunit; minus strand). Cytogenetic location: 20q13.33.
Variant type: single nucleotide variant.
Coding change: c.1864T>C on transcript NM_000744.7 (MANE Select); coding-DNA position 1864, T replaced by C.
Protein change: p.Trp622Arg; replaces tryptophan 622 with arginine.
Molecular consequence: missense variant. On other transcripts: non-coding transcript variant (1).
Genome position (GRCh38, 1-based): chr20:63,346,758, A>G on the plus strand (T>C on the coding strand, the complement: CHRNA4 is on the minus strand). VCF-style: chr20-63346758-A-G. GRCh37 (hg19) VCF-style: chr20-61978110-A-G.
Other names: c.1336T>C, p.Trp446Arg (NM_001256573.2); short protein forms W446R, W622R.
Identifiers: ClinVar variation 2821930 (VCV002821930.3), dbSNP rs2516527179, ClinGen allele CA409630845.

ClinVar aggregate classification (germline): Uncertain significance (1 of 4 stars; one submission).

Conditions:
Familial sleep-related hypermotor epilepsy. Also called: Autosomal Dominant Sleep-Related Hypermotor (Hyperkinetic) Epilepsy. Identifiers: Orphanet 98784, MedGen C3696898, MONDO:0000030.

Allele frequency attached by ClinVar (database versions not stated): gnomAD exomes below 0.00001.
gnomAD v4.1: 1 of 1,611,110 alleles (0.000062%); highest among the groups gnomAD compares: East Asian, 0.0022%; no homozygotes.

Submission:

Labcorp Genetics (formerly Invitae), Labcorp
Classification: Uncertain significance. Last evaluated: 2025-01-05. Review status: criteria provided, single submitter. Criteria: Invitae Variant Classification Sherloc (09022015). Collection method: clinical testing. Allele origin: germline.
Comment: This sequence change replaces tryptophan, which is neutral and slightly polar, with arginine, which is basic and polar, at codon 622 of the CHRNA4 protein (p.Trp622Arg). This variant is not present in population databases (gnomAD no frequency). This variant has not been reported in the literature in individuals affected with CHRNA4-related conditions. ClinVar contains an entry for this variant (Variation ID: 2821930). An algorithm developed to predict the effect of missense changes on protein structure and function (PolyPhen-2) suggests that this variant is likely to be disruptive. In summary, the available evidence is currently insufficient to determine the role of this variant in disease. Therefore, it has been classified as a Variant of Uncertain Significance.